The following is an entry in ClinVar:

NM_018180.3(DHX32):c.277G>A (p.Ala93Thr)

Gene: DHX32 (DEAH-box helicase 32 (putative); minus strand). Cytogenetic location: 10q26.2.
Variant type: single nucleotide variant.
Coding change: c.277G>A on transcript NM_018180.3 (MANE Select); coding-DNA position 277, G replaced by A.
Protein change: p.Ala93Thr; replaces alanine 93 with threonine.
Molecular consequence: missense variant.
Genome position (GRCh38, 1-based): chr10:125,880,548, C>T on the plus strand (G>A on the coding strand, the complement: DHX32 is on the minus strand). VCF-style: chr10-125880548-C-T. GRCh37 (hg19) VCF-style: chr10-127569117-C-T.
Other names: c.277G>A (NM_018180.2); short protein forms A93T.
Identifiers: ClinVar variation 1505777 (VCV001505777.8), dbSNP rs201349585, ClinGen allele CA5739501.

ClinVar aggregate classification (germline): Uncertain significance. Review status: criteria provided, multiple submitters, no conflicts (2 of 4 stars). 3 submissions from 3 submitters: Uncertain significance (3). Last evaluated 2026-01-05.

Allele frequency attached by ClinVar (database versions not stated): gnomAD exomes 0.00015; 1000 Genomes Project 0.00020; ExAC 0.00020; 1000 Genomes Project 30x 0.00031; gnomAD 0.00031 and 0.00035; TOPMed 0.00037; ESP Exome Variant Server 0.00038.
gnomAD v4.1: 144 of 1,597,232 alleles (0.009%); highest among the groups gnomAD compares: African/African-American, 0.09%; no homozygotes.

Submissions (3):

Labcorp Genetics (formerly Invitae), Labcorp
Classification: Uncertain significance. Last evaluated: 2026-01-05. Review status: criteria provided, single submitter. Criteria: Invitae Variant Classification Sherloc (09022015). Collection method: clinical testing. Allele origin: germline.
Comment: This sequence change replaces alanine, which is neutral and non-polar, with threonine, which is neutral and polar, at codon 93 of the DHX32 protein (p.Ala93Thr). This variant is present in population databases (rs201349585, gnomAD 0.1%), and has an allele count higher than expected for a pathogenic variant. This variant has not been reported in the literature in individuals affected with DHX32-related conditions. ClinVar contains an entry for this variant (Variation ID: 1505777). An algorithm developed to predict the effect of missense changes on protein structure and function (PolyPhen-2) suggests that this variant is likely to be tolerated. In summary, the available evidence is currently insufficient to determine the role of this variant in disease. Therefore, it has been classified as a Variant of Uncertain Significance.

Ambry Genetics
Classification: Uncertain significance. Last evaluated: 2024-08-28. Review status: criteria provided, single submitter. Criteria: Ambry Variant Classification Scheme 2023. Collection method: clinical testing. Allele origin: germline.

Breakthrough Genomics
Classification: Uncertain significance. Review status: criteria provided, single submitter. Criteria: ACMG Guidelines, 2015. Collection method: not provided. Allele origin: germline. Inheritance: Unknown mechanism. Affected: yes.